The following is an entry in ClinVar:

ClinVar aggregate classification (germline): Pathogenic (1 of 4 stars; one submission).

Submission:

Labcorp Genetics (formerly Invitae), Labcorp
Classification: Pathogenic. Last evaluated: 2025-03-17. Review status: criteria provided, single submitter. Criteria: Invitae Variant Classification Sherloc (09022015). Collection method: clinical testing. Allele origin: germline.
Comment: This sequence change affects a donor splice site in intron 41 of the CDH23 gene. It is expected to disrupt RNA splicing. Variants that disrupt the donor or acceptor splice site typically lead to a loss of protein function (PMID: 16199547), and loss-of-function variants in CDH23 are known to be pathogenic (PMID: 11138009, 21940737). This variant is not present in population databases (gnomAD no frequency). Disruption of this splice site has been observed in individual(s) with Usher syndrome (PMID: 27460420). ClinVar contains an entry for this variant (Variation ID: 2023414). Algorithms developed to predict the effect of sequence changes on RNA splicing suggest that this variant may disrupt the consensus splice site. For these reasons, this variant has been classified as Pathogenic.

Literature cited by the submitters: PubMed 16199547; PubMed 11138009; PubMed 21940737; PubMed 27460420.

NM_022124.6(CDH23):c.5368+2T>C

Gene: CDH23 (cadherin related 23; plus strand). Cytogenetic location: 10q22.1.
Variant type: single nucleotide variant.
Coding change: c.5368+2T>C on transcript NM_022124.6 (MANE Select); the canonical splice donor site of the intron after coding-DNA position 5368, T replaced by C.
Molecular consequence: splice donor variant.
Genome position (GRCh38, 1-based): chr10:71,779,449, T>C. VCF-style: chr10-71779449-T-C. GRCh37 (hg19) VCF-style: chr10-73539206-T-C.
Identifiers: ClinVar variation 2023414 (VCV002023414.4), dbSNP rs2494344629, ClinGen allele CA377143258.